The following is an entry in ClinVar:

NM_022356.4(P3H1):c.1231C>T (p.Arg411Trp)

Gene: P3H1 (prolyl 3-hydroxylase 1; minus strand). Cytogenetic location: 1p34.2.
Variant type: single nucleotide variant.
Coding change: c.1231C>T on transcript NM_022356.4 (MANE Select); coding-DNA position 1231, C replaced by T.
Protein change: p.Arg411Trp; replaces arginine 411 with tryptophan.
Molecular consequence: missense variant.
Genome position (GRCh38, 1-based): chr1:42,754,983, G>A on the plus strand (C>T on the coding strand, the complement: P3H1 is on the minus strand). VCF-style: chr1-42754983-G-A. GRCh37 (hg19) VCF-style: chr1-43220654-G-A.
Other names: c.1231C>T, p.Arg411Trp (NM_001146289.2, NM_001243246.2); short protein forms R411W.
Identifiers: ClinVar variation 440021 (VCV000440021.15), dbSNP rs146128481, ClinGen allele CA801904.

ClinVar aggregate classification (germline): Uncertain significance. Review status: criteria provided, multiple submitters, no conflicts (2 of 4 stars). 3 submissions from 3 submitters: Uncertain significance (3). Last evaluated 2023-04-11.

Conditions:
Osteogenesis imperfecta type 8 (OI8). Identifiers: MedGen C1970458, MONDO:0012581, OMIM 610915.

Allele frequency attached by ClinVar (database versions not stated): gnomAD 0.00001 and 0.00002; TOPMed 0.00002; ExAC 0.00003; gnomAD exomes 0.00005; ESP Exome Variant Server 0.00015.
gnomAD v4.1: 17 of 1,614,000 alleles (0.0011%); highest among the groups gnomAD compares: Admixed American, 0.02%; no homozygotes.

Submissions (3):

Genome-Nilou Lab
Classification: Uncertain significance for Osteogenesis imperfecta type 8. Last evaluated: 2023-04-11. Review status: criteria provided, single submitter. Criteria: ACMG Guidelines, 2015. Collection method: clinical testing. Allele origin: germline. Affected: no.

Labcorp Genetics (formerly Invitae), Labcorp
Classification: Uncertain significance for Osteogenesis imperfecta type 8. Last evaluated: 2021-12-29. Review status: criteria provided, single submitter. Criteria: Invitae Variant Classification Sherloc (09022015). Collection method: clinical testing. Allele origin: germline.
Comment: This sequence change replaces arginine, which is basic and polar, with tryptophan, which is neutral and slightly polar, at codon 411 of the P3H1 protein (p.Arg411Trp). This variant is present in population databases (rs146128481, gnomAD 0.03%). This variant has not been reported in the literature in individuals affected with P3H1-related conditions. ClinVar contains an entry for this variant (Variation ID: 440021). Algorithms developed to predict the effect of missense changes on protein structure and function are either unavailable or do not agree on the potential impact of this missense change (SIFT: "Tolerated"; PolyPhen-2: "Probably Damaging"; Align-GVGD: "Class C0"). In summary, the available evidence is currently insufficient to determine the role of this variant in disease. Therefore, it has been classified as a Variant of Uncertain Significance.

ARUP Laboratories, Molecular Genetics and Genomics, ARUP Laboratories
Classification: Uncertain significance. Last evaluated: 2017-04-28. Review status: criteria provided, single submitter. Criteria: ARUP Molecular Germline Variant Investigation Process. Collection method: clinical testing. Allele origin: germline.